The following is an entry in ClinVar:

ClinVar aggregate classification (germline): Uncertain significance (1 of 4 stars; one submission).

Conditions:
Familial acute necrotizing encephalopathy (IIAE3). Also called: ENCEPHALOPATHY, ACUTE, INFECTION-INDUCED, SUSCEPTIBILITY TO, 3; Susceptibility to Acute Necrotizing Encephalopathy 1. Identifiers: Orphanet 88619, MedGen C2675556, MONDO:0011953, OMIM 608033.

Submission:

Labcorp Genetics (formerly Invitae), Labcorp
Classification: Uncertain significance for Familial acute necrotizing encephalopathy. Last evaluated: 2021-01-15. Review status: criteria provided, single submitter. Criteria: Invitae Variant Classification Sherloc (09022015). Collection method: clinical testing. Allele origin: germline.
Comment: In summary, the available evidence is currently insufficient to determine the role of this variant in disease. Therefore, it has been classified as a Variant of Uncertain Significance. Experimental studies and prediction algorithms are not available or were not evaluated, and the functional significance of this variant is currently unknown. This variant has not been reported in the literature in individuals with RANBP2-related conditions. This variant results in a copy number gain of the genomic region encompassing exon(s) 1-19 of the RANBP2 gene. This region includes the initiator codon of the gene. The 5' end of this event is unknown as it extends beyond the assayed region for this gene and therefore may encompass additional genes. The 3' boundary is likely confined to intron 19 of the RANBP2 gene. As the precise location of this event is unknown, it may be in tandem or it may be located elsewhere in the genome.

NC_000002.11:g.(?_108604612)_(109378671_?)dup

Genes: GCC2 (GRIP and coiled-coil domain containing 2; plus strand), LIMS1 (LIM zinc finger domain containing 1; plus strand), RANBP2 (RAN binding protein 2; plus strand), SLC5A7 (solute carrier family 5 member 7; plus strand), SULT1C2 (sulfotransferase family 1C member 2; plus strand) and 2 more. Cytogenetic location: 2q12.3.
Variant type: Duplication.
Identifiers: ClinVar variation 1444169 (VCV001444169.5).